The following is an entry in ClinVar:

NM_002047.4(GARS1):c.1625T>C (p.Ile542Thr)

Gene: GARS1 (glycyl-tRNA synthetase 1; plus strand). Cytogenetic location: 7p14.3.
Variant type: single nucleotide variant.
Coding change: c.1625T>C on transcript NM_002047.4 (MANE Select); coding-DNA position 1625, T replaced by C.
Protein change: p.Ile542Thr; replaces isoleucine 542 with threonine.
Molecular consequence: missense variant.
Genome position (GRCh38, 1-based): chr7:30,626,245, T>C. VCF-style: chr7-30626245-T-C. GRCh37 (hg19) VCF-style: chr7-30665861-T-C.
Other names: c.1463T>C, p.Ile488Thr (NM_001316772.1); short protein forms I488T, I542T.
Identifiers: ClinVar variation 2443004 (VCV002443004.4), dbSNP rs953786034, ClinGen allele CA156057151.

ClinVar aggregate classification (germline): Uncertain significance. Review status: criteria provided, single submitter (1 of 4 stars). 2 submissions from 2 submitters: Uncertain significance (1). 1 of the submissions does not count toward it. Last evaluated 2023-12-20.

Conditions:
Charcot-Marie-Tooth disease type 2. Also called: Charcot-Marie-Tooth type 2. Identifiers: Orphanet 64746, MedGen C0270914, MONDO:0018993.
Pes cavus. Identifiers: MedGen C0728829, HP:0001761.

Allele frequency attached by ClinVar (database versions not stated): gnomAD exomes below 0.00001; TOPMed below 0.00001; gnomAD 0.00001.
gnomAD v4.1: 2 of 1,605,978 alleles (0.00012%); highest among the groups gnomAD compares: Non-Finnish European, 0.00017%; no homozygotes.

Submissions (2):

Labcorp Genetics (formerly Invitae), Labcorp
Classification: Uncertain significance for Charcot-Marie-Tooth disease type 2. Last evaluated: 2023-12-20. Review status: criteria provided, single submitter. Criteria: Invitae Variant Classification Sherloc (09022015). Collection method: clinical testing. Allele origin: germline.
Comment: This sequence change replaces isoleucine, which is neutral and non-polar, with threonine, which is neutral and polar, at codon 542 of the GARS protein (p.Ile542Thr). This variant is not present in population databases (gnomAD no frequency). This variant has not been reported in the literature in individuals affected with GARS-related conditions. ClinVar contains an entry for this variant (Variation ID: 2443004). Advanced modeling of protein sequence and biophysical properties (such as structural, functional, and spatial information, amino acid conservation, physicochemical variation, residue mobility, and thermodynamic stability) performed at Invitae indicates that this missense variant is not expected to disrupt GARS protein function with a negative predictive value of 95%. In summary, the available evidence is currently insufficient to determine the role of this variant in disease. Therefore, it has been classified as a Variant of Uncertain Significance.

Institute of Human Genetics, University of Wuerzburg
Classification: Uncertain significance for Pes cavus. Review status: no assertion criteria provided. Collection method: clinical testing. Allele origin: unknown. Affected: yes. Observed: 1 variant allele. Not counted in ClinVar's aggregate classification.